The following is an entry in ClinVar:

ClinVar aggregate classification (germline): Uncertain significance (1 of 4 stars; one submission).

Conditions:
POLD1-related polyposis and colorectal cancer syndrome (CRCS10). Also called: Colorectal cancer 10; COLORECTAL CANCER, SUSCEPTIBILITY TO, ON CHROMOSOME 19q; Colorectal cancer, susceptibility to, 10. Identifiers: Orphanet 220460, MedGen C2675481, MONDO:0012953, OMIM 612591.

Allele frequency attached by ClinVar (database versions not stated): gnomAD exomes below 0.00001.

Submission:

Labcorp Genetics (formerly Invitae), Labcorp
Classification: Uncertain significance for POLD1-related polyposis and colorectal cancer syndrome. Last evaluated: 2023-05-02. Review status: criteria provided, single submitter. Criteria: Invitae Variant Classification Sherloc (09022015). Collection method: clinical testing. Allele origin: germline.
Comment: This sequence change replaces aspartic acid, which is acidic and polar, with tyrosine, which is neutral and polar, at codon 433 of the POLD1 protein (p.Asp433Tyr). In summary, the available evidence is currently insufficient to determine the role of this variant in disease. Therefore, it has been classified as a Variant of Uncertain Significance. Algorithms developed to predict the effect of sequence changes on RNA splicing suggest that this variant may create or strengthen a splice site. Advanced modeling of protein sequence and biophysical properties (such as structural, functional, and spatial information, amino acid conservation, physicochemical variation, residue mobility, and thermodynamic stability) performed at Invitae indicates that this missense variant is not expected to disrupt POLD1 protein function. This variant has not been reported in the literature in individuals affected with POLD1-related conditions. This variant is not present in population databases (gnomAD no frequency).

NM_002691.4(POLD1):c.1297G>T (p.Asp433Tyr)

Gene: POLD1 (DNA polymerase delta 1, catalytic subunit; plus strand). Cytogenetic location: 19q13.33.
Variant type: single nucleotide variant.
Coding change: c.1297G>T on transcript NM_002691.4 (MANE Select); coding-DNA position 1297, G replaced by T.
Protein change: p.Asp433Tyr; replaces aspartic acid 433 with tyrosine.
Molecular consequence: missense variant. On other transcripts: non-coding transcript variant (1).
Genome position (GRCh38, 1-based): chr19:50,406,236, G>T. VCF-style: chr19-50406236-G-T. GRCh37 (hg19) VCF-style: chr19-50909493-G-T.
Other names: c.1297G>T, p.Asp433Tyr (NM_001256849.1, NM_001308632.1); short protein forms D433Y.
Identifiers: ClinVar variation 2861601 (VCV002861601.3), dbSNP rs1555791103, ClinGen allele CA406979817.